The following is an entry in ClinVar:

NM_206933.4(USH2A):c.8480T>A (p.Leu2827Ter)

Gene: USH2A (usherin; minus strand). Cytogenetic location: 1q41.
Variant type: single nucleotide variant.
Coding change: c.8480T>A on transcript NM_206933.4 (MANE Select); coding-DNA position 8480, T replaced by A.
Protein change: p.Leu2827Ter; replaces leucine 2827 with a stop codon.
Molecular consequence: nonsense.
Genome position (GRCh38, 1-based): chr1:215,878,842, A>T on the plus strand (T>A on the coding strand, the complement: USH2A is on the minus strand). VCF-style: chr1-215878842-A-T. GRCh37 (hg19) VCF-style: chr1-216052184-A-T.
Other names: c.8480T>A (NM_206933.2); short protein forms L2827*.
Identifiers: ClinVar variation 1698738 (VCV001698738.8), dbSNP rs2102451648, ClinGen allele CA344830612.

ClinVar aggregate classification (germline): Pathogenic/Likely pathogenic. Review status: criteria provided, multiple submitters, no conflicts (2 of 4 stars). 4 submissions from 4 submitters: Pathogenic (1); Likely pathogenic (3). Last evaluated 2025-09-07.

Conditions:
Usher syndrome type 2A. Also called: RETINAL DISEASE IN USHER SYNDROME TYPE IIA, MODIFIER OF; USHER SYNDROME, TYPE IIA. Identifiers: Orphanet 231178, Orphanet 886, MedGen C1848634, MONDO:0010169, OMIM 276901.
Retinitis pigmentosa 39 (RP39). Identifiers: Orphanet 791, MedGen C3151138, MONDO:0013436, OMIM 613809.

gnomAD v4.1: 1 of 1,613,992 alleles (0.000062%); highest among the groups gnomAD compares: Non-Finnish European, 0.000085%; no homozygotes.

Submissions (4):

Natera, Inc.
Classification: Likely pathogenic for Usher syndrome type 2A. Last evaluated: 2025-09-07. Review status: criteria provided, single submitter. Criteria: Natera Variant Classification Schema (03/2026). Collection method: clinical testing. Allele origin: germline.
Comment: The c.8480T>A variant in USH2A is a nonsense variant predicted to introduce a stop codon at amino acid 2827. This variant is expected to result in nonsense mediated decay, truncation, or a dysfunctional protein product. This variant is rare in the general population with a frequency below the threshold expected for the associated phenotype(s). Given the available evidence, this variant is classified as Likely Pathogenic.

Fulgent Genetics
Classification: Likely pathogenic for Usher syndrome type 2A; Retinitis pigmentosa 39. Last evaluated: 2024-05-29. Review status: criteria provided, single submitter. Criteria: ACMG Guidelines, 2015. Collection method: clinical testing. Allele origin: germline.

Labcorp Genetics (formerly Invitae), Labcorp
Classification: Pathogenic. Last evaluated: 2024-01-25. Review status: criteria provided, single submitter. Criteria: Invitae Variant Classification Sherloc (09022015). Collection method: clinical testing. Allele origin: germline.
Comment: This sequence change creates a premature translational stop signal (p.Leu2827*) in the USH2A gene. It is expected to result in an absent or disrupted protein product. Loss-of-function variants in USH2A are known to be pathogenic (PMID: 10729113, 10909849, 20507924, 25649381). This variant is not present in population databases (gnomAD no frequency). This variant has not been reported in the literature in individuals affected with USH2A-related conditions. ClinVar contains an entry for this variant (Variation ID: 1698738). Algorithms developed to predict the effect of sequence changes on RNA splicing suggest that this variant may disrupt the consensus splice site. For these reasons, this variant has been classified as Pathogenic.

Genetics and Molecular Pathology, SA Pathology
Classification: Likely pathogenic for Usher syndrome type 2A. Last evaluated: 2022-03-11. Review status: criteria provided, single submitter. Criteria: ACMG Guidelines, 2015. Collection method: clinical testing. Allele origin: germline. Affected: yes.

Literature cited by the submitters: PubMed 10729113 (cited by Labcorp Genetics (formerly Invitae), Labcorp); PubMed 10909849 (cited by Labcorp Genetics (formerly Invitae), Labcorp); PubMed 20507924 (cited by Labcorp Genetics (formerly Invitae), Labcorp); PubMed 25649381 (cited by Labcorp Genetics (formerly Invitae), Labcorp).